The following is an entry in ClinVar:

NM_006445.4(PRPF8):c.2806T>C (p.Phe936Leu)

Gene: PRPF8 (pre-mRNA processing factor 8; minus strand). Cytogenetic location: 17p13.3.
Variant type: single nucleotide variant.
Coding change: c.2806T>C on transcript NM_006445.4 (MANE Select); coding-DNA position 2806, T replaced by C.
Protein change: p.Phe936Leu; replaces phenylalanine 936 with leucine.
Molecular consequence: missense variant.
Genome position (GRCh38, 1-based): chr17:1,675,686, A>G on the plus strand (T>C on the coding strand, the complement: PRPF8 is on the minus strand). VCF-style: chr17-1675686-A-G. GRCh37 (hg19) VCF-style: chr17-1578980-A-G.
Other names: short protein forms F936L.
Identifiers: ClinVar variation 1051508 (VCV001051508.5), dbSNP rs754299754, ClinGen allele CA8272048.

ClinVar aggregate classification (germline): Uncertain significance (1 of 4 stars; one submission).

Allele frequency attached by ClinVar (database versions not stated): gnomAD exomes below 0.00001 and 0.00001; ExAC 0.00001; gnomAD 0.00001; TOPMed 0.00001.
gnomAD v4.1: 22 of 1,614,032 alleles (0.0014%); highest among the groups gnomAD compares: Non-Finnish European, 0.0018%; no homozygotes.

Submission:

Labcorp Genetics (formerly Invitae), Labcorp
Classification: Uncertain significance. Last evaluated: 2020-07-21. Review status: criteria provided, single submitter. Criteria: Invitae Variant Classification Sherloc (09022015). Collection method: clinical testing. Allele origin: germline.
Comment: This sequence change replaces phenylalanine with leucine at codon 936 of the PRPF8 protein (p.Phe936Leu). The phenylalanine residue is highly conserved and there is a small physicochemical difference between phenylalanine and leucine. This variant is present in population databases (rs754299754, ExAC 0.001%). In summary, the available evidence is currently insufficient to determine the role of this variant in disease. Therefore, it has been classified as a Variant of Uncertain Significance. Algorithms developed to predict the effect of missense changes on protein structure and function are either unavailable or do not agree on the potential impact of this missense change (SIFT: "Deleterious"; PolyPhen-2: "Benign"; Align-GVGD: "Class C0"). This variant has not been reported in the literature in individuals with PRPF8-related conditions.